The following is an entry in ClinVar:

NM_000465.4(BARD1):c.2096G>C (p.Gly699Ala)

Gene: BARD1 (BRCA1 associated RING domain 1; minus strand). Cytogenetic location: 2q35.
Variant type: single nucleotide variant.
Coding change: c.2096G>C on transcript NM_000465.4 (MANE Select); coding-DNA position 2096, G replaced by C.
Protein change: p.Gly699Ala; replaces glycine 699 with alanine.
Molecular consequence: missense variant. On other transcripts: non-coding transcript variant (3).
Genome position (GRCh38, 1-based): chr2:214,728,914, C>G on the plus strand (G>C on the coding strand, the complement: BARD1 is on the minus strand). VCF-style: chr2-214728914-C-G. GRCh37 (hg19) VCF-style: chr2-215593638-C-G.
Other names: c.2039G>C, p.Gly680Ala (NM_001282543.2); c.743G>C, p.Gly248Ala (NM_001282545.2); c.686G>C, p.Gly229Ala (NM_001282548.2); c.557G>C, p.Gly186Ala (NM_001282549.2); short protein forms G699A, G229A, G248A, G186A, G680A.
Identifiers: ClinVar variation 489666 (VCV000489666.21), dbSNP rs1196348283, ClinGen allele CA350450627.

ClinVar aggregate classification (germline): Uncertain significance. Review status: criteria provided, multiple submitters, no conflicts (2 of 4 stars). 4 submissions from 4 submitters: Uncertain significance (4). Last evaluated 2025-07-01.

Conditions:
Familial cancer of breast. Also called: Hereditary breast cancer; BREAST CANCER, FAMILIAL; hereditary breast carcinoma. Identifiers: Orphanet 227535, MedGen C0346153, MONDO:0016419, OMIM 114480. Disease mechanism: loss of function.
Hereditary cancer-predisposing syndrome. Also called: Hereditary Cancer Syndrome; Neoplastic Syndromes, Hereditary; Tumor predisposition; Hereditary neoplastic syndrome. Identifiers: Orphanet 140162, MedGen C0027672, MeSH D009386, MONDO:0015356.

Allele frequency attached by ClinVar (database versions not stated): gnomAD exomes below 0.00001.
gnomAD v4.1: 1 of 1,614,154 alleles (0.000062%); highest among the groups gnomAD compares: Non-Finnish European, 0.000085%; no homozygotes.

Submissions (4):

Labcorp Genetics (formerly Invitae), Labcorp
Classification: Uncertain significance for Familial cancer of breast. Last evaluated: 2025-07-01. Review status: criteria provided, single submitter. Criteria: Invitae Variant Classification Sherloc (09022015). Collection method: clinical testing. Allele origin: germline.
Comment: This sequence change replaces glycine, which is neutral and non-polar, with alanine, which is neutral and non-polar, at codon 699 of the BARD1 protein (p.Gly699Ala). This variant is present in population databases (no rsID available, gnomAD 0.0009%). This variant has not been reported in the literature in individuals affected with BARD1-related conditions. ClinVar contains an entry for this variant (Variation ID: 489666). An algorithm developed to predict the effect of missense changes on protein structure and function (PolyPhen-2) suggests that this variant is likely to be disruptive. In summary, the available evidence is currently insufficient to determine the role of this variant in disease. Therefore, it has been classified as a Variant of Uncertain Significance.

Ambry Genetics
Classification: Uncertain significance for Hereditary cancer-predisposing syndrome. Last evaluated: 2025-04-28. Review status: criteria provided, single submitter. Criteria: Ambry Variant Classification Scheme 2023. Collection method: clinical testing. Allele origin: germline.
Comment: The p.G699A variant (also known as c.2096G>C), located in coding exon 11 of the BARD1 gene, results from a G to C substitution at nucleotide position 2096. The glycine at codon 699 is replaced by alanine, an amino acid with similar properties. This amino acid position is highly conserved in available vertebrate species. In addition, the in silico prediction for this alteration is inconclusive. Since supporting evidence is limited at this time, the clinical significance of this alteration remains unclear.

Color Diagnostics, LLC DBA Color Health
Classification: Uncertain significance for Hereditary cancer-predisposing syndrome. Last evaluated: 2023-12-05. Review status: criteria provided, single submitter. Criteria: ACMG Guidelines, 2015. Collection method: clinical testing. Allele origin: germline.
Comment: This missense variant replaces glycine with alanine at codon 699 of the BARD1 protein. Computational prediction suggests that this variant may have deleterious impact on protein structure and function (internally defined REVEL score threshold >= 0.7, PMID: 27666373). To our knowledge, functional studies have not been reported for this variant. This variant has not been reported in individuals affected with BARD1-related disorders in the literature. This variant has been identified in 1/251280 chromosomes in the general population by the Genome Aggregation Database (gnomAD). The available evidence is insufficient to determine the role of this variant in disease conclusively. Therefore, this variant is classified as a Variant of Uncertain Significance.

Sema4
Classification: Uncertain significance for Hereditary cancer-predisposing syndrome. Last evaluated: 2022-02-28. Review status: criteria provided, single submitter. Criteria: Sema4 Curation Guidelines. Collection method: curation. Allele origin: germline.
Comment: The BARD1 c.2096G>C (p.G699A) variant has not been reported in the literature to our knowledge. This variant was observed in 1/113640 chromosomes in the Non-Finnish European population according to the Genome Aggregation Database (PMID: 32461654). This variant has been reported in ClinVar (Variation ID: 489666). In silico tools suggest the impact of the variant on protein function is deleterious, though these predictions have not been confirmed by functional studies. The evidence is insufficient to meet ACMG/AMP criteria for classifying the variant as benign or pathogenic. Thus, the clinical significance of this variant is currently uncertain.